The following is an entry in ClinVar:

ClinVar aggregate classification (germline): Uncertain significance. Review status: criteria provided, multiple submitters, no conflicts (2 of 4 stars). 2 submissions from 2 submitters: Uncertain significance (2). Last evaluated 2024-07-08.

Conditions:
Hereditary spastic paraplegia 2 (SPG2). Also called: SPASTIC PARAPLEGIA 2, X-LINKED; Spastic Paraplegia 2 (SPG2). Identifiers: Orphanet 99015, MedGen C0751604, MONDO:0010733, OMIM 312920.

gnomAD v4.1: 7 of 1,197,327 alleles (0.00058%); highest among the groups gnomAD compares: Non-Finnish European, 0.00079%; no homozygotes.

Submissions (3):

Labcorp Genetics (formerly Invitae), Labcorp
Classification: Uncertain significance for Hereditary spastic paraplegia 2. Last evaluated: 2024-07-08. Review status: criteria provided, single submitter. Criteria: Invitae Variant Classification Sherloc (09022015). Collection method: clinical testing. Allele origin: germline.
Comment: This sequence change falls in intron 5 of the PLP1 gene. It does not directly change the encoded amino acid sequence of the PLP1 protein. It affects a nucleotide within the consensus splice site. This variant is present in population databases (rs778487661, gnomAD 0.001%). This variant has not been reported in the literature in individuals affected with PLP1-related conditions. Variants that disrupt the consensus splice site are a relatively common cause of aberrant splicing (PMID: 17576681, 9536098). Algorithms developed to predict the effect of sequence changes on RNA splicing suggest that this variant may disrupt the consensus splice site. In summary, the available evidence is currently insufficient to determine the role of this variant in disease. Therefore, it has been classified as a Variant of Uncertain Significance.

Blueprint Genetics
Classification: Uncertain significance. Last evaluated: 2018-01-10. Review status: criteria provided, single submitter. Criteria: ACMG Guidelines, 2015. Collection method: clinical testing. Allele origin: germline.

Dr. Peter K. Rogan Lab, Western University
No classification provided (evidence only). Condition: Colon adenocarcinoma. Review status: no classification provided. Collection method: in vitro. Allele origin: not applicable. Functional consequence: retained intron. Not counted in ClinVar's aggregate classification.

Literature cited by the submitters: PubMed 17576681 (cited by Labcorp Genetics (formerly Invitae), Labcorp); PubMed 9536098 (cited by Labcorp Genetics (formerly Invitae), Labcorp).

NM_000533.5(PLP1):c.697-3C>T

Genes: PLP1 (proteolipid protein 1; plus strand), RAB9B (RAB9B, member RAS oncogene family; minus strand). Cytogenetic location: Xq22.2.
Variant type: single nucleotide variant.
Coding change: c.697-3C>T on transcript NM_000533.5 (MANE Select); 3 bases into the intron before coding-DNA position 697, C replaced by T.
Molecular consequence: intron variant.
Genome position (GRCh38, 1-based): chrX:103,789,330, C>T. VCF-style: chrX-103789330-C-T. GRCh37 (hg19) VCF-style: chrX-103044259-C-T.
Other names: c.697-3C>T (NM_001128834.3); c.592-3C>T (NM_199478.3); c.532-3C>T (NM_001305004.1).
Identifiers: ClinVar variation 3653259 (VCV003653259.4).